The following is an entry in ClinVar:

ClinVar aggregate classification (germline): Uncertain significance (1 of 4 stars; one submission).

Conditions:
Arthrogryposis multiplex congenita 6. Identifiers: MedGen C5543431, MONDO:0030281, OMIM 619334.

Submission:

Baylor Genetics
Classification: Uncertain significance for Arthrogryposis multiplex congenita 6. Last evaluated: 2024-12-08. Review status: criteria provided, single submitter. Criteria: ACMG Guidelines, 2015. Collection method: clinical testing. Allele origin: unknown.
Comment: This variant is predicted to create a small in-frame change with uncertain consequences.

NM_001164508.2(NEB):c.24772_24778delinsA (p.Tyr8258_Asp8260delinsAsn)

Genes: RIF1 (replication timing regulatory factor 1; plus strand), NEB (nebulin; minus strand). Cytogenetic location: 2q23.3.
Variant type: Indel.
Coding change: c.24772_24778delinsA on transcript NM_001164508.2 (MANE Select); coding-DNA positions 24772 to 24778, TATTCTG replaced by A.
Protein change: p.Tyr8258_Asp8260delinsAsn.
Molecular consequence: inframe indel.
Genome position (GRCh38, 1-based): chr2:151,492,482-151,492,488, CAGAATA replaced by T on the plus strand (TATTCTG replaced by A on the coding strand, the reverse complement: NEB is on the minus strand). VCF-style: chr2-151492482-CAGAATA-T. GRCh37 (hg19) VCF-style: chr2-152348996-CAGAATA-T.
Other names: c.24772_24778delinsA, p.Tyr8258_Asp8260delinsAsn (NM_001164507.2); c.24877_24883delTATTCTGinsA, p.Tyr8293_Asp8295delinsAsn (NM_001271208.1); c.24877_24883delinsA, p.Tyr8293_Asp8295delinsAsn (NM_001271208.2); c.19204_19210delinsA, p.Tyr6402_Asp6404delinsAsn (NM_004543.5); c.24877_24883delinsA (NM_001271208.1).
Identifiers: ClinVar variation 2677009 (VCV002677009.2), dbSNP rs2551710695, ClinGen allele CA2695196984.
Genomic context (GRCh38, chr2:151,492,482, plus strand): 5'-TCATCTCGGGGGTATCCAATACATAGGCAGCTTTGCCTTGTATTTGTTTCCGGAAACTAT[CAGAATA>T]AAGAACCTGATGCAGGAGAGACCGTGAATGAGTGGTGCTGTCCTAAATCTGAAACCTCAA-3'